The following is an entry in ClinVar:

ClinVar aggregate classification (germline): Likely benign. Review status: criteria provided, multiple submitters, no conflicts (2 of 4 stars). 3 submissions from 3 submitters: Likely benign (3). Last evaluated 2023-09-26.

Conditions:
Wilms tumor 1 (WT1). Also called: Wilms tumor, somatic. Identifiers: Orphanet 654, MedGen CN033288, MONDO:0008679, OMIM 194070.

Submissions (3):

Blueprint Genetics
Classification: Likely benign. Last evaluated: 2023-09-26. Review status: criteria provided, single submitter. Criteria: ACMG Guidelines, 2015. Collection method: clinical testing. Allele origin: germline.

CeGaT Center for Human Genetics Tuebingen
Classification: Likely benign. Last evaluated: 2023-02-01. Review status: criteria provided, single submitter. Criteria: CeGaT Center For Human Genetics Tuebingen Variant Classification Criteria Version 2. Collection method: clinical testing. Allele origin: germline. Affected: yes. Observed: 1 variant allele.
Comment: GPC3: PM2:Supporting, BP4, BP7

Labcorp Genetics (formerly Invitae), Labcorp
Classification: Likely benign for Wilms tumor 1. Last evaluated: 2022-02-27. Review status: criteria provided, single submitter. Criteria: Invitae Variant Classification Sherloc (09022015). Collection method: clinical testing. Allele origin: germline.

NM_004484.4(GPC3):c.1578G>A (p.Leu526=)

Gene: GPC3 (glypican 3; minus strand). Cytogenetic location: Xq26.2.
Variant type: single nucleotide variant.
Coding change: c.1578G>A on transcript NM_004484.4 (MANE Select); coding-DNA position 1578, G replaced by A.
Protein change: p.Leu526=; no amino-acid change (leucine 526 retained).
Molecular consequence: synonymous variant.
Genome position (GRCh38, 1-based): chrX:133,536,289, C>T on the plus strand (G>A on the coding strand, the complement: GPC3 is on the minus strand). VCF-style: chrX-133536289-C-T. GRCh37 (hg19) VCF-style: chrX-132670317-C-T.
Other names: c.1647G>A, p.Leu549= (NM_001164617.2); c.1530G>A, p.Leu510= (NM_001164618.2); c.1416G>A, p.Leu472= (NM_001164619.2).
Identifiers: ClinVar variation 2104002 (VCV002104002.29), dbSNP rs2520464340, ClinGen allele CA518632269.
Genomic context (GRCh38, chrX:133,536,289, plus strand): 5'-GTCCTTCGGAGTTGCCTGCTGACTGTTTCCAGGCGCATCATCCACATCCAGATCATAGGC[C>T]AGTTCTGTCAATCAAAAGAGAAGGATTTGAAATGCAAGTCTACCCATAGCCTCAGTATAA-3'
Protein context (NP_004475.1, residues 516-536): VKNQLRFLAE[Leu526=]AYDLDVDDAP